The following is an entry in ClinVar:

ClinVar aggregate classification (germline): Uncertain significance (1 of 4 stars; one submission).

Conditions:
Congenital myasthenic syndrome 10. Also called: Myasthenia, limb-girdle, familial. Identifiers: Orphanet 590, MedGen C1850792, MONDO:0009690, OMIM 254300.
Fetal akinesia deformation sequence 1 (FADS1). Also called: Pena-Shokeir syndrome type I; Fetal akinesia sequence. Identifiers: Orphanet 994, MedGen C1276035, MONDO:0100101, OMIM 208150, HP:0001989.

Submission:

Labcorp Genetics (formerly Invitae), Labcorp
Classification: Uncertain significance for Congenital myasthenic syndrome 10; Fetal akinesia deformation sequence 1. Last evaluated: 2021-03-22. Review status: criteria provided, single submitter. Criteria: Invitae Variant Classification Sherloc (09022015). Collection method: clinical testing. Allele origin: germline.
Comment: In summary, the available evidence is currently insufficient to determine the role of this variant in disease. Therefore, it has been classified as a Variant of Uncertain Significance. Algorithms developed to predict the effect of missense changes on protein structure and function (SIFT, PolyPhen-2, Align-GVGD) all suggest that this variant is likely to be tolerated, but these predictions have not been confirmed by published functional studies and their clinical significance is uncertain. This variant has not been reported in the literature in individuals with DOK7-related conditions. This variant is not present in population databases (ExAC no frequency). This sequence change replaces glutamine with leucine at codon 296 of the DOK7 protein (p.Gln296Leu). The glutamine residue is moderately conserved and there is a moderate physicochemical difference between glutamine and leucine.

NM_173660.5(DOK7):c.887A>T (p.Gln296Leu)

Gene: DOK7 (docking protein 7; plus strand). Cytogenetic location: 4p16.3.
Variant type: single nucleotide variant.
Coding change: c.887A>T on transcript NM_173660.5 (MANE Select); coding-DNA position 887, A replaced by T.
Protein change: p.Gln296Leu; replaces glutamine 296 with leucine.
Molecular consequence: missense variant. On other transcripts: 3 prime UTR variant (1), 5 prime UTR variant (1).
Genome position (GRCh38, 1-based): chr4:3,492,873, A>T. VCF-style: chr4-3492873-A-T. GRCh37 (hg19) VCF-style: chr4-3494600-A-T.
Other names: c.*108A>T (NM_001164673.2); c.-44A>T (NM_001256896.2); c.887A>T, p.Gln296Leu (NM_001301071.2); c.455A>T, p.Gln152Leu (NM_001363811.2); short protein forms Q152L, Q296L.
Identifiers: ClinVar variation 1494360 (VCV001494360.8), dbSNP rs6811423, ClinGen allele CA356116231.